The following is an entry in ClinVar:

NM_001267550.2(TTN):c.69883G>A (p.Ala23295Thr)

Genes: TTN (titin; minus strand), TTN-AS1 (TTN antisense RNA 1; plus strand), LOC126806422 (BRD4-independent group 4 enhancer GRCh37_chr2:179440205-179441404; plus strand). Cytogenetic location: 2q31.2.
Variant type: single nucleotide variant.
Coding change: c.69883G>A on transcript NM_001267550.2 (MANE Select); coding-DNA position 69883, G replaced by A.
Protein change: p.Ala23295Thr; replaces alanine 23295 with threonine.
Molecular consequence: missense variant.
Genome position (GRCh38, 1-based): chr2:178,576,249, C>T on the plus strand (G>A on the coding strand, the complement: TTN is on the minus strand). VCF-style: chr2-178576249-C-T. GRCh37 (hg19) VCF-style: chr2-179440976-C-T.
Other names: c.64960G>A, p.Ala21654Thr (NM_001256850.1); c.42688G>A, p.Ala14230Thr (NM_003319.4); c.62179G>A, p.Ala20727Thr (NM_133378.4); c.43063G>A, p.Ala14355Thr (NM_133432.3); c.43264G>A, p.Ala14422Thr (NM_133437.4); short protein forms A23295T, A14355T, A14230T, A20727T, A14422T, A21654T.
Identifiers: ClinVar variation 405191 (VCV000405191.6), dbSNP rs746519147, ClinGen allele CA1990861.
Genomic context (GRCh38, chr2:178,576,249, plus strand): 5'-TGAAGTTGTATTTTTCTTTAGTCTGAAGATCAGGAACAACGAACTGAGTGATTCTGAGGG[C>T]GGTTCCTGTGGTATCTTTTATCCAGGCCTCGTCTCCTACTTTTTGATGCTCCACGACATA-3'
Protein context (NP_001254479.2, residues 23285-23305): EAWIKDTTGT[Ala23295Thr]LRITQFVVPD

ClinVar aggregate classification (germline): Uncertain significance. Review status: criteria provided, multiple submitters, no conflicts (2 of 4 stars). 3 submissions from 3 submitters: Uncertain significance (3). Last evaluated 2025-11-17.

Conditions:
Cardiovascular phenotype. Identifiers: MedGen CN230736.
Dilated cardiomyopathy 1G (CMD1G). Identifiers: Orphanet 154, MedGen C1858763, MONDO:0011400, OMIM 604145.
Autosomal recessive limb-girdle muscular dystrophy type 2J (LGMDR10). Also called: Limb-girdle muscular dystrophy, type 2J; MUSCULAR DYSTROPHY, LIMB-GIRDLE, AUTOSOMAL RECESSIVE 10. Identifiers: Orphanet 140922, MedGen C1837342, MONDO:0012127, OMIM 608807.

Allele frequency attached by ClinVar (database versions not stated): gnomAD 0.00001; gnomAD exomes 0.00001 and 0.00003; ExAC 0.00005; TOPMed 0.00005.
gnomAD v4.1: 17 of 1,612,090 alleles (0.0011%); highest among the groups gnomAD compares: South Asian, 0.0088%; no homozygotes.

Submissions (3):

Women's Health and Genetics/Laboratory Corporation of America, LabCorp
Classification: Uncertain significance. Last evaluated: 2025-11-17. Review status: criteria provided, single submitter. Criteria: LabCorp Variant Classification Summary - May 2015. Collection method: clinical testing. Allele origin: germline.
Comment: Variant summary: TTN c.62179G>A (p.Ala20727Thr) results in a non-conservative amino acid change in the encoded protein sequence. Algorithms developed to predict the effect of missense changes on protein structure and function are either unavailable or do not agree on the potential impact of this missense change. The variant allele was found at a frequency of 3.2e-05 in 246274 control chromosomes. The available data on variant occurrences in the general population are insufficient to allow any conclusion about variant significance. To our knowledge, no occurrence of c.62179G>A in individuals affected with TTN-related conditions and no experimental evidence demonstrating its impact on protein function have been reported. ClinVar contains an entry for this variant (Variation ID: 405191). Based on the evidence outlined above, the variant was classified as uncertain significance.

Ambry Genetics
Classification: Uncertain significance for Cardiovascular phenotype. Last evaluated: 2020-01-03. Review status: criteria provided, single submitter. Criteria: Ambry Variant Classification Scheme 2023. Collection method: clinical testing. Allele origin: germline.
Comment: The p.A14230T variant (also known as c.42688G>A), located in coding exon 153 of the TTN gene, results from a G to A substitution at nucleotide position 42688. The alanine at codon 14230 is replaced by threonine, an amino acid with similar properties. This amino acid position is not well conserved in available vertebrate species. In addition, this alteration is predicted to be tolerated by in silico analysis. Since supporting evidence is limited at this time, the clinical significance of this alteration remains unclear.

Labcorp Genetics (formerly Invitae), Labcorp
Classification: Uncertain significance for Dilated cardiomyopathy 1G; Autosomal recessive limb-girdle muscular dystrophy type 2J. Last evaluated: 2017-10-08. Review status: criteria provided, single submitter. Criteria: Invitae Variant Classification Sherloc (09022015). Collection method: clinical testing. Allele origin: germline.